The following is an entry in ClinVar:

ClinVar aggregate classification (germline): Pathogenic. Review status: criteria provided, single submitter (1 of 4 stars). 2 submissions from 2 submitters: Pathogenic (1). 1 of the submissions does not count toward it. Last evaluated 2019-12-06.

Conditions:
Arrhythmogenic cardiomyopathy with wooly hair and keratoderma. Also called: PALMOPLANTAR KERATODERMA WITH LEFT VENTRICULAR CARDIOMYOPATHY AND WOOLLY HAIR; Carvajal syndrome; Dilated cardiomyopathy with woolly hair and keratoderma; Arrhythmogenic cardiomyopathy with woolly hair and keratoderma. Identifiers: Orphanet 65282, MedGen C1854063, MONDO:0011581, OMIM 605676.
Arrhythmogenic right ventricular dysplasia 8 (ARVD8). Also called: Arrhythmogenic Right Ventricular Dysplasia/Cardiomyopathy 8; ARRHYTHMOGENIC RIGHT VENTRICULAR DYSPLASIA, FAMILIAL, 8; ARRHYTHMOGENIC RIGHT VENTRICULAR CARDIOMYOPATHY 8. Identifiers: MedGen C1843896, MONDO:0011831, OMIM 607450.
Arrhythmogenic right ventricular cardiomyopathy (ARVD). Also called: Cardiomyopathy, ARVC; Arrhythmogenic right ventricular dysplasia; Arrhythmogenic cardiomyopathy; Arrhythmogenic Right Ventricular Cardiomyopathy (ARVC). Identifiers: Orphanet 247, MedGen C0349788, MeSH D019571, MONDO:0016587. Disease mechanism: loss of function. Inheritance: Various modes of inheritance.

Submissions (2):

Labcorp Genetics (formerly Invitae), Labcorp
Classification: Pathogenic for Arrhythmogenic cardiomyopathy with wooly hair and keratoderma; Arrhythmogenic right ventricular dysplasia 8. Last evaluated: 2019-12-06. Review status: criteria provided, single submitter. Criteria: Invitae Variant Classification Sherloc (09022015). Collection method: clinical testing. Allele origin: germline.
Comment: This sequence change creates a premature translational stop signal (p.Ile950Leufs*27) in the DSP gene. It is expected to result in an absent or disrupted protein product. This variant is not present in population databases (ExAC no frequency). This variant has been observed in individual(s) with arrhythmogenic right ventricular cardiomyopathy (PMID: 25157032). Loss-of-function variants in DSP are known to be pathogenic (PMID: 20716751, 24503780, 25227139). For these reasons, this variant has been classified as Pathogenic.

Sangiuolo Lab - Medical Genetics Laboratory, Tor Vergata University
Classification: Pathogenic for Arrhythmogenic right ventricular cardiomyopathy. Last evaluated: 2023-01-10. Review status: no assertion criteria provided. Collection method: clinical testing. Allele origin: germline. Affected: yes. Not counted in ClinVar's aggregate classification.

Literature cited by the submitters: PubMed 25157032 (cited by Labcorp Genetics (formerly Invitae), Labcorp); PubMed 20716751 (cited by Labcorp Genetics (formerly Invitae), Labcorp); PubMed 24503780 (cited by Labcorp Genetics (formerly Invitae), Labcorp); PubMed 25227139 (cited by Labcorp Genetics (formerly Invitae), Labcorp).

NM_004415.4(DSP):c.2848del (p.Ile950fs)

Gene: DSP (desmoplakin; plus strand). Cytogenetic location: 6p24.3.
Variant type: Deletion.
Coding change: c.2848del on transcript NM_004415.4 (MANE Select); coding-DNA position 2848, one base deleted (A; older notation c.2848delA).
Protein change: p.Ile950fs; shifts the reading frame from isoleucine 950.
Molecular consequence: frameshift variant.
Genome position (GRCh38, 1-based): chr6:7,577,013, A deleted; the last of 6 consecutive A bases (chr6:7,577,008-7,577,013); deleting any one gives the same sequence. VCF-style (leftmost placement, unchanged base first): chr6-7577007-CA-C. GRCh37 (hg19) VCF-style: chr6-7577240-CA-C.
Other names: c.2848del, p.Ile950fs (NM_001008844.3, NM_001319034.2); short protein forms I950fs.
Identifiers: ClinVar variation 855123 (VCV000855123.10), dbSNP rs397516927, ClinGen allele CA645551221.